The following is an entry in ClinVar:

ClinVar aggregate classification (germline): Conflicting classifications of pathogenicity. Review status: criteria provided, conflicting classifications (1 of 4 stars). 2 submissions from 2 submitters: Uncertain significance (1); Likely benign (1). Last evaluated 2026-07-01.

Allele frequency attached by ClinVar (database versions not stated): gnomAD 0.00001.

Submissions (2):

CeGaT Center for Human Genetics Tuebingen
Classification: Likely benign. Last evaluated: 2026-07-01. Review status: criteria provided, single submitter. Criteria: CeGaT Center For Human Genetics Tuebingen Variant Classification Criteria Version 2. Collection method: clinical testing. Allele origin: germline. Affected: yes. Observed: 1 variant allele.
Comment: DNAJC21: BP4

Labcorp Genetics (formerly Invitae), Labcorp
Classification: Uncertain significance. Last evaluated: 2025-08-07. Review status: criteria provided, single submitter. Criteria: Invitae Variant Classification Sherloc (09022015). Collection method: clinical testing. Allele origin: germline.
Comment: This sequence change replaces glutamic acid, which is acidic and polar, with glutamine, which is neutral and polar, at codon 353 of the DNAJC21 protein (p.Glu353Gln). This variant is not present in population databases (gnomAD no frequency). This variant has not been reported in the literature in individuals affected with DNAJC21-related conditions. ClinVar contains an entry for this variant (Variation ID: 1381019). An algorithm developed to predict the effect of missense changes on protein structure and function (PolyPhen-2) suggests that this variant is likely to be disruptive. In summary, the available evidence is currently insufficient to determine the role of this variant in disease. Therefore, it has been classified as a Variant of Uncertain Significance.

NM_001012339.3(DNAJC21):c.1057G>C (p.Glu353Gln)

Gene: DNAJC21 (DnaJ heat shock protein family (Hsp40) member C21; plus strand). Cytogenetic location: 5p13.2.
Variant type: single nucleotide variant.
Coding change: c.1057G>C on transcript NM_001012339.3 (MANE Select); coding-DNA position 1057, G replaced by C.
Protein change: p.Glu353Gln; replaces glutamic acid 353 with glutamine.
Molecular consequence: missense variant.
Genome position (GRCh38, 1-based): chr5:34,944,940, G>C. VCF-style: chr5-34944940-G-C. GRCh37 (hg19) VCF-style: chr5-34945045-G-C.
Other names: c.1057G>C, p.Glu353Gln (NM_001348420.2, NM_194283.4); short protein forms E353Q.
Identifiers: ClinVar variation 1381019 (VCV001381019.7), dbSNP rs1300915632, ClinGen allele CA359418549.